The following is an entry in ClinVar:

NM_018958.3(NPAP1):c.1393C>T (p.Leu465Phe)

Gene: NPAP1 (nuclear pore associated protein 1; plus strand). Cytogenetic location: 15q11.2.
Variant type: single nucleotide variant.
Coding change: c.1393C>T on transcript NM_018958.3 (MANE Select); coding-DNA position 1393, C replaced by T.
Protein change: p.Leu465Phe; replaces leucine 465 with phenylalanine.
Molecular consequence: missense variant.
Genome position (GRCh38, 1-based): chr15:24,677,260, C>T. VCF-style: chr15-24677260-C-T. GRCh37 (hg19) VCF-style: chr15-24922407-C-T.
Other names: short protein forms L465F.
Identifiers: ClinVar variation 783701 (VCV000783701.28), dbSNP rs79339610, ClinGen allele CA7430715.

ClinVar aggregate classification (germline): Benign/Likely benign. Review status: criteria provided, multiple submitters, no conflicts (2 of 4 stars). 3 submissions from 3 submitters: Benign (2); Likely benign (1). Last evaluated 2026-01-01.

Allele frequency attached by ClinVar (database versions not stated): gnomAD exomes 0.00046 and 0.00114; ExAC 0.00120; gnomAD 0.00349 and 0.00375; 1000 Genomes Project 0.00359; 1000 Genomes Project 30x 0.00422; TOPMed 0.00432; ESP Exome Variant Server 0.00438.
gnomAD v4.1: 1,231 of 1,614,136 alleles (0.076%); highest among the groups gnomAD compares: African/African-American, 1.2%; 6 homozygotes.

Submissions (3):

CeGaT Center for Human Genetics Tuebingen
Classification: Likely benign. Last evaluated: 2026-01-01. Review status: criteria provided, single submitter. Criteria: CeGaT Center For Human Genetics Tuebingen Variant Classification Criteria Version 2. Collection method: clinical testing. Allele origin: germline. Affected: yes. Observed: 4 variant alleles.
Comment: NPAP1: BP4, BS1

Labcorp Genetics (formerly Invitae), Labcorp
Classification: Benign. Last evaluated: 2018-04-04. Review status: criteria provided, single submitter. Criteria: Invitae Variant Classification Sherloc (09022015). Collection method: clinical testing. Allele origin: germline.

Breakthrough Genomics
Classification: Benign. Review status: criteria provided, single submitter. Criteria: ACMG Guidelines, 2015. Collection method: not provided. Allele origin: germline. Inheritance: Unknown mechanism. Affected: yes.